The following is an entry in ClinVar:

NM_020821.3(VPS13C):c.7720A>G (p.Arg2574Gly)

Gene: VPS13C (vacuolar protein sorting 13 homolog C; minus strand). Cytogenetic location: 15q22.2.
Variant type: single nucleotide variant.
Coding change: c.7720A>G on transcript NM_020821.3 (MANE Select); coding-DNA position 7720, A replaced by G.
Protein change: p.Arg2574Gly; replaces arginine 2574 with glycine.
Molecular consequence: missense variant.
Genome position (GRCh38, 1-based): chr15:61,918,176, T>C on the plus strand (A>G on the coding strand, the complement: VPS13C is on the minus strand). VCF-style: chr15-61918176-T-C. GRCh37 (hg19) VCF-style: chr15-62210375-T-C.
Other names: c.7720A>G, p.Arg2574Gly (NM_001018088.3); c.7591A>G, p.Arg2531Gly (NM_017684.5, NM_018080.4); short protein forms R2531G, R2574G.
Identifiers: ClinVar variation 2121214 (VCV002121214.4), dbSNP rs922641204, ClinGen allele CA392681265.

ClinVar aggregate classification (germline): Uncertain significance (1 of 4 stars; one submission).

Allele frequency attached by ClinVar (database versions not stated): TOPMed below 0.00001; gnomAD 0.00001.
gnomAD v4.1: 1 of 1,600,852 alleles (0.000062%); highest among the groups gnomAD compares: African/African-American, 0.0013%; no homozygotes.

Submission:

Labcorp Genetics (formerly Invitae), Labcorp
Classification: Uncertain significance. Last evaluated: 2022-05-16. Review status: criteria provided, single submitter. Criteria: Invitae Variant Classification Sherloc (09022015). Collection method: clinical testing. Allele origin: germline.
Comment: In summary, the available evidence is currently insufficient to determine the role of this variant in disease. Therefore, it has been classified as a Variant of Uncertain Significance. Algorithms developed to predict the effect of missense changes on protein structure and function are either unavailable or do not agree on the potential impact of this missense change (SIFT: "Deleterious"; PolyPhen-2: "Benign"; Align-GVGD: "Class C15"). This variant has not been reported in the literature in individuals affected with VPS13C-related conditions. This variant is not present in population databases (gnomAD no frequency). This sequence change replaces arginine, which is basic and polar, with glycine, which is neutral and non-polar, at codon 2574 of the VPS13C protein (p.Arg2574Gly).